The following is an entry in ClinVar:

ClinVar aggregate classification (germline): Likely benign. Review status: criteria provided, multiple submitters, no conflicts (2 of 4 stars). 2 submissions from 2 submitters: Likely benign (2). Last evaluated 2025-07-07.

Conditions:
Holoprosencephaly 5 (HPE5). Identifiers: Orphanet 2162, MedGen C1864827, MONDO:0012322, OMIM 609637.

Allele frequency attached by ClinVar (database versions not stated): gnomAD 0.00003; 1000 Genomes Project 30x 0.00016; ExAC 0.00061.
gnomAD v4.1: 40 of 1,020,464 alleles (0.0039%); highest among the groups gnomAD compares: Admixed American, 0.0052%; no homozygotes.

Submissions (2):

Labcorp Genetics (formerly Invitae), Labcorp
Classification: Likely benign for Holoprosencephaly 5. Last evaluated: 2025-07-07. Review status: criteria provided, single submitter. Criteria: Invitae Variant Classification Sherloc (09022015). Collection method: clinical testing. Allele origin: germline.

CeGaT Center for Human Genetics Tuebingen
Classification: Likely benign. Last evaluated: 2024-03-01. Review status: criteria provided, single submitter. Criteria: CeGaT Center For Human Genetics Tuebingen Variant Classification Criteria Version 2. Collection method: clinical testing. Allele origin: germline. Affected: yes. Observed: 1 variant allele.
Comment: ZIC2: BP4, BP7

NM_007129.5(ZIC2):c.1521C>T (p.Gly507=)

Gene: ZIC2 (Zic family zinc finger 2; plus strand). Cytogenetic location: 13q32.3.
Variant type: single nucleotide variant.
Coding change: c.1521C>T on transcript NM_007129.5 (MANE Select); coding-DNA position 1521, C replaced by T.
Protein change: p.Gly507=; no amino-acid change (glycine 507 retained).
Molecular consequence: synonymous variant.
Genome position (GRCh38, 1-based): chr13:99,985,604, C>T. VCF-style: chr13-99985604-C-T. GRCh37 (hg19) VCF-style: chr13-100637858-C-T.
Identifiers: ClinVar variation 2715294 (VCV002715294.23), dbSNP rs761271585, ClinGen allele CA7033005.
Genomic context (GRCh38, chr13:99,985,604, plus strand): 5'-CGGCTCAGGCGGCGGCAGCGGCAGTGGCGGGGGCGGCGGCGGGGCGGGCGGCGGGGGCGG[C>T]GGCAGCTCTGGCGGGGGCAGCGGGACAGCCGGGGGTCACAGCGGCCTCTCCTCCAACTTC-3'
Protein context (NP_009060.2, residues 497-517): GGGGGAGGGG[Gly507=]GSSGGGSGTA